The following is an entry in ClinVar:

ClinVar aggregate classification (germline): Likely pathogenic (1 of 4 stars; one submission).

Conditions:
X-linked Alport syndrome (ATS1). Also called: NEPHROPATHY AND DEAFNESS, X-LINKED; COL4A5-Related Nephropathy. Identifiers: Orphanet 63, Orphanet 88917, MedGen C4746986, MONDO:0010520, OMIM 301050.

Submission:

Dasa
Classification: Likely pathogenic for X-linked Alport syndrome. Last evaluated: 2026-04-10. Review status: criteria provided, single submitter. Criteria: DASA Assertion Criteria. Collection method: clinical testing. Allele origin: germline.
Comment: NM_033380.3(COL4A5):c.4868del (p.Pro1623Leufs*36) is a frameshift variant in COL4A5 predicted to alter the reading frame and introduce a premature termination codon and is predicted to result in an absent or altered protein product. Loss of function is an established disease mechanism for COL4A5 (PMID: 16941480; PMID: 10752524; PMID: 30577881). Also, this variant is rare in population databases. Based on the currently available evidence, this variant is classified as likely pathogenic.

Literature cited by the submitters: PubMed 16941480; PubMed 10752524; PubMed 30577881.

NM_033380.3(COL4A5):c.4868del (p.Pro1623fs)

Gene: COL4A5 (collagen type IV alpha 5 chain; plus strand). Cytogenetic location: Xq22.3.
Variant type: Deletion.
Coding change: c.4868del on transcript NM_033380.3 (MANE Select); coding-DNA position 4868, one base deleted (C; older notation c.4868delC).
Protein change: p.Pro1623fs; shifts the reading frame from proline 1623.
Molecular consequence: frameshift variant.
Genome position (GRCh38, 1-based): chrX:108,695,313, C deleted; the last of 4 consecutive C bases (chrX:108,695,310-108,695,313); deleting any one gives the same sequence. VCF-style (leftmost placement, unchanged base first): chrX-108695309-TC-T. GRCh37 (hg19) VCF-style: chrX-107938539-TC-T.
Other names: c.4850del, p.Pro1617fs (NM_000495.5); short protein forms P1617fs, P1623fs.
Identifiers: ClinVar variation 4880556 (VCV004880556.2).